The following is an entry in ClinVar:

NM_182916.3(TRNT1):c.335_339del (p.Thr112fs)

Gene: TRNT1 (tRNA nucleotidyl transferase 1; plus strand). Cytogenetic location: 3p26.2.
Variant type: Deletion.
Coding change: c.335_339del on transcript NM_182916.3 (MANE Select); coding-DNA positions 335 to 339, 5 bases deleted (CTGCC; older notation c.335_339delCTGCC).
Protein change: p.Thr112fs; shifts the reading frame from threonine 112.
Molecular consequence: frameshift variant. On other transcripts: non-coding transcript variant (8).
Genome position (GRCh38, 1-based): chr3:3,137,446-3,137,450, CTGCC deleted. VCF-style (leftmost placement, unchanged base first): chr3-3137445-ACTGCC-A. GRCh37 (hg19) VCF-style: chr3-3179129-ACTGCC-A.
Other names: c.335_339del, p.Thr112fs (NM_001302946.2, NM_001367321.1, NM_001367322.1 and 1 more transcripts); short protein forms T112fs.
Identifiers: ClinVar variation 4774921 (VCV004774921.1).

ClinVar aggregate classification (germline): Pathogenic (1 of 4 stars; one submission).

Conditions:
Congenital sideroblastic anemia-B-cell immunodeficiency-periodic fever-developmental delay syndrome. Also called: Sideroblastic anemia with B-cell immunodeficiency, periodic fevers, and developmental delay. Identifiers: Orphanet 369861, MedGen C4015172, MONDO:0014487, OMIM 616084.

Submission:

Labcorp Genetics (formerly Invitae), Labcorp
Classification: Pathogenic for Congenital sideroblastic anemia-B-cell immunodeficiency-periodic fever-developmental delay syndrome. Last evaluated: 2026-01-18. Review status: criteria provided, single submitter. Criteria: Invitae Variant Classification Sherloc (09022015). Collection method: clinical testing. Allele origin: germline.
Comment: This sequence change creates a premature translational stop signal (p.Thr112Lysfs*4) in the TRNT1 gene. It is expected to result in an absent or disrupted protein product. Loss-of-function variants in TRNT1 are known to be pathogenic (PMID: 25193871). This variant is not present in population databases (gnomAD no frequency). This variant has not been reported in the literature in individuals affected with TRNT1-related conditions. For these reasons, this variant has been classified as Pathogenic.

Literature cited by the submitters: PubMed 25193871.